The following is an entry in ClinVar:

ClinVar aggregate classification (germline): Uncertain significance (1 of 4 stars; one submission).

Conditions:
Nemaline myopathy 6 (NEM6). Also called: Nemaline myopathy 6, autosomal dominant. Identifiers: Orphanet 171439, MedGen C1836472, MONDO:0012237, OMIM 609273.

Submission:

Labcorp Genetics (formerly Invitae), Labcorp
Classification: Uncertain significance for Nemaline myopathy 6. Last evaluated: 2022-01-13. Review status: criteria provided, single submitter. Criteria: Invitae Variant Classification Sherloc (09022015). Collection method: clinical testing. Allele origin: germline.
Comment: This sequence change replaces glycine, which is neutral and non-polar, with alanine, which is neutral and non-polar, at codon 117 of the KBTBD13 protein (p.Gly117Ala). In summary, the available evidence is currently insufficient to determine the role of this variant in disease. Therefore, it has been classified as a Variant of Uncertain Significance. Algorithms developed to predict the effect of missense changes on protein structure and function are either unavailable or do not agree on the potential impact of this missense change (SIFT: "Not Available"; PolyPhen-2: "Probably Damaging"; Align-GVGD: "Not Available"). ClinVar contains an entry for this variant (Variation ID: 954320). This variant has not been reported in the literature in individuals affected with KBTBD13-related conditions. Information on the frequency of this variant in the gnomAD database is not available, as this variant may be reported differently in the database.

NM_001101362.3(KBTBD13):c.350_351delinsCA (p.Gly117Ala)

Gene: KBTBD13 (kelch repeat and BTB domain containing 13; plus strand). Cytogenetic location: 15q22.31.
Variant type: Indel.
Coding change: c.350_351delinsCA on transcript NM_001101362.3 (MANE Select); coding-DNA positions 350 to 351, GC replaced by CA.
Protein change: p.Gly117Ala; replaces glycine 117 with alanine.
Molecular consequence: missense variant.
Genome position (GRCh38, 1-based): chr15:65,077,165-65,077,166, GC replaced by CA. VCF-style: chr15-65077165-GC-CA. GRCh37 (hg19) VCF-style: chr15-65369503-GC-CA.
Other names: short protein forms G117A.
Identifiers: ClinVar variation 954320 (VCV000954320.9), dbSNP rs2086984445, ClinGen allele CA1139664031.